The following is an entry in ClinVar:

NM_005530.3(IDH3A):c.197G>A (p.Arg66Gln)

Gene: IDH3A (isocitrate dehydrogenase (NAD(+)) 3 catalytic subunit alpha; plus strand). Cytogenetic location: 15q25.1.
Variant type: single nucleotide variant.
Coding change: c.197G>A on transcript NM_005530.3 (MANE Select); coding-DNA position 197, G replaced by A.
Protein change: p.Arg66Gln; replaces arginine 66 with glutamine.
Molecular consequence: missense variant.
Genome position (GRCh38, 1-based): chr15:78,160,114, G>A. VCF-style: chr15-78160114-G-A. GRCh37 (hg19) VCF-style: chr15-78452456-G-A.
Other names: short protein forms R66Q.
Identifiers: ClinVar variation 834362 (VCV000834362.6), dbSNP rs150367709, ClinGen allele CA7680512.
Genomic context (GRCh38, chr15:78,160,114, plus strand): 5'-TCTCTCCAGCTCACTGTGCTCTGTGATGTGGCATCTAGGCACCTATTCAGTGGGAGGAGC[G>A]GAACGTCACTGCCATTCAAGGACCTGGAGGAAAGTGGATGATCCCTTCAGAGGCTAAAGA-3'
Protein context (NP_005521.1, residues 56-76): AAKAPIQWEE[Arg66Gln]NVTAIQGPGG

ClinVar aggregate classification (germline): Conflicting classifications of pathogenicity. Review status: criteria provided, conflicting classifications (1 of 4 stars). 2 submissions from 2 submitters: Uncertain significance (1); Likely benign (1). Last evaluated 2023-12-18.

Allele frequency attached by ClinVar (database versions not stated): gnomAD exomes 0.00009 and 0.00020; ExAC 0.00013; gnomAD 0.00021 and 0.00026; ESP Exome Variant Server 0.00023; 1000 Genomes Project 30x 0.00031; TOPMed 0.00031; 1000 Genomes Project 0.00040.
gnomAD v4.1: 188 of 1,611,558 alleles (0.012%); highest among the groups gnomAD compares: East Asian, 0.15%; 3 homozygotes.

Submissions (2):

Blueprint Genetics
Classification: Likely benign. Last evaluated: 2023-12-18. Review status: criteria provided, single submitter. Criteria: ACMG Guidelines, 2015. Collection method: clinical testing. Allele origin: germline.

Labcorp Genetics (formerly Invitae), Labcorp
Classification: Uncertain significance. Last evaluated: 2022-11-01. Review status: criteria provided, single submitter. Criteria: Invitae Variant Classification Sherloc (09022015). Collection method: clinical testing. Allele origin: germline.
Comment: This sequence change replaces arginine, which is basic and polar, with glutamine, which is neutral and polar, at codon 66 of the IDH3A protein (p.Arg66Gln). This variant is present in population databases (rs150367709, gnomAD 0.2%). This variant has not been reported in the literature in individuals affected with IDH3A-related conditions. ClinVar contains an entry for this variant (Variation ID: 834362). Advanced modeling of protein sequence and biophysical properties (such as structural, functional, and spatial information, amino acid conservation, physicochemical variation, residue mobility, and thermodynamic stability) performed at Invitae indicates that this missense variant is not expected to disrupt IDH3A protein function. In summary, the available evidence is currently insufficient to determine the role of this variant in disease. Therefore, it has been classified as a Variant of Uncertain Significance.